The following is an entry in ClinVar:

NM_000059.4(BRCA2):c.685G>A (p.Val229Met)

Gene: BRCA2 (BRCA2 DNA repair associated; plus strand). Cytogenetic location: 13q13.1.
Variant type: single nucleotide variant.
Coding change: c.685G>A on transcript NM_000059.4 (MANE Select); coding-DNA position 685, G replaced by A.
Protein change: p.Val229Met; replaces valine 229 with methionine.
Molecular consequence: missense variant.
Genome position (GRCh38, 1-based): chr13:32,330,922, G>A. VCF-style: chr13-32330922-G-A. GRCh37 (hg19) VCF-style: chr13-32905059-G-A.
Other names: short protein forms V229M.
Identifiers: ClinVar variation 233210 (VCV000233210.20), dbSNP rs749594501, ClinGen allele CA6940435.

ClinVar aggregate classification (germline): Uncertain significance. Review status: criteria provided, multiple submitters, no conflicts (2 of 4 stars). 4 submissions from 4 submitters: Uncertain significance (4). Last evaluated 2024-09-23.

Conditions:
Hereditary cancer-predisposing syndrome. Also called: Neoplastic Syndromes, Hereditary; Tumor predisposition; Hereditary Cancer Syndrome; Hereditary neoplastic syndrome. Identifiers: Orphanet 140162, MedGen C0027672, MeSH D009386, MONDO:0015356.
Hereditary breast ovarian cancer syndrome. Also called: Hereditary breast and ovarian cancer syndrome; BRCA1- and BRCA2-Associated Hereditary Breast and Ovarian Cancer; Breast and ovarian cancer; Hereditary breast and/or ovarian cancer syndrome; Hereditary breast and ovarian cancer; Hereditary breast and ovarian cancer syndrome (HBOC). Identifiers: Orphanet 145, MedGen C0677776, MeSH D061325, MONDO:0003582. Disease mechanism: loss of function.
BRCA2-related cancer predisposition. Identifiers: MedGen CN377758, MONDO:0700269.

Allele frequency attached by ClinVar (database versions not stated): gnomAD exomes below 0.00001 and 0.00001; ExAC 0.00001.

Submissions (4):

All of Us Research Program, National Institutes of Health
Classification: Uncertain significance for BRCA2-related cancer predisposition. Last evaluated: 2024-09-23. Review status: criteria provided, single submitter. Criteria: ACMG Guidelines, 2015. Collection method: clinical testing. Allele origin: germline. Inheritance: Autosomal dominant inheritance. Observed: 1 variant allele, 1 heterozygote.
Comment: This missense variant replaces valine with methionine at codon 229 of the BRCA2 protein. Computational prediction suggests that this variant may not impact protein structure and function (internally defined REVEL score threshold <= 0.5, PMID: 27666373). To our knowledge, functional studies have not been reported for this variant. This variant has not been reported in individuals affected with hereditary cancer in the literature. This variant has been identified in 2/249146 chromosomes in the general population by the Genome Aggregation Database (gnomAD). The available evidence is insufficient to determine the role of this variant in disease conclusively. Therefore, this variant is classified as a Variant of Uncertain Significance.

This study involves interpretation of variants in research participants for the purpose of population health screening. Participant phenotype was not available at the time of variant classification. Additional details can be found in publication PMID: 35346344, PMCID: PMC8962531

Ambry Genetics
Classification: Uncertain significance for Hereditary cancer-predisposing syndrome. Last evaluated: 2024-05-16. Review status: criteria provided, single submitter. Criteria: Ambry Variant Classification Scheme 2023. Collection method: clinical testing. Allele origin: germline.
Comment: The p.V229M variant (also known as c.685G>A), located in coding exon 8 of the BRCA2 gene, results from a G to A substitution at nucleotide position 685. The valine at codon 229 is replaced by methionine, an amino acid with highly similar properties. This amino acid position is poorly conserved in available vertebrate species. In addition, this alteration is predicted to be tolerated by in silico analysis. Since supporting evidence is limited at this time, the clinical significance of this alteration remains unclear.

Labcorp Genetics (formerly Invitae), Labcorp
Classification: Uncertain significance for Hereditary breast ovarian cancer syndrome. Last evaluated: 2022-12-12. Review status: criteria provided, single submitter. Criteria: Invitae Variant Classification Sherloc (09022015). Collection method: clinical testing. Allele origin: germline.
Comment: This variant is present in population databases (rs749594501, gnomAD 0.0009%). In summary, the available evidence is currently insufficient to determine the role of this variant in disease. Therefore, it has been classified as a Variant of Uncertain Significance. Advanced modeling of protein sequence and biophysical properties (such as structural, functional, and spatial information, amino acid conservation, physicochemical variation, residue mobility, and thermodynamic stability) performed at Invitae indicates that this missense variant is not expected to disrupt BRCA2 protein function. ClinVar contains an entry for this variant (Variation ID: 233210). This variant has not been reported in the literature in individuals affected with BRCA2-related conditions. This sequence change replaces valine, which is neutral and non-polar, with methionine, which is neutral and non-polar, at codon 229 of the BRCA2 protein (p.Val229Met).

Color Diagnostics, LLC DBA Color Health
Classification: Uncertain significance for Hereditary cancer-predisposing syndrome. Last evaluated: 2022-01-25. Review status: criteria provided, single submitter. Criteria: ACMG Guidelines, 2015. Collection method: clinical testing. Allele origin: germline.
Comment: This missense variant replaces valine with methionine at codon 229 of the BRCA2 protein. Computational prediction suggests that this variant may not impact protein structure and function (internally defined REVEL score threshold <= 0.5, PMID: 27666373). To our knowledge, functional studies have not been reported for this variant. This variant has not been reported in individuals affected with hereditary cancer in the literature. This variant has been identified in 2/249146 chromosomes in the general population by the Genome Aggregation Database (gnomAD). The available evidence is insufficient to determine the role of this variant in disease conclusively. Therefore, this variant is classified as a Variant of Uncertain Significance.